The following is an entry in ClinVar:

ClinVar aggregate classification (germline): Uncertain significance (1 of 4 stars; one submission).

gnomAD v4.1: 11 of 1,614,248 alleles (0.00068%); highest among the groups gnomAD compares: Non-Finnish European, 0.00025%; no homozygotes.

Submission:

Labcorp Genetics (formerly Invitae), Labcorp
Classification: Uncertain significance. Last evaluated: 2022-09-17. Review status: criteria provided, single submitter. Criteria: Invitae Variant Classification Sherloc (09022015). Collection method: clinical testing. Allele origin: germline.
Comment: This variant is present in population databases (rs778407139, gnomAD 0.009%). In summary, the available evidence is currently insufficient to determine the role of this variant in disease. Therefore, it has been classified as a Variant of Uncertain Significance. This variant has not been reported in the literature in individuals affected with FBN3-related conditions. This sequence change creates a premature translational stop signal (p.Glu1407*) in the FBN3 gene. It is expected to result in an absent or disrupted protein product. However, the current clinical and genetic evidence is not sufficient to establish whether loss-of-function variants in FBN3 cause disease.

NM_032447.5(FBN3):c.4219G>T (p.Glu1407Ter)

Gene: FBN3 (fibrillin 3; minus strand). Cytogenetic location: 19p13.2.
Variant type: single nucleotide variant.
Coding change: c.4219G>T on transcript NM_032447.5 (MANE Select); coding-DNA position 4219, G replaced by T.
Protein change: p.Glu1407Ter; replaces glutamic acid 1407 with a stop codon.
Molecular consequence: nonsense.
Genome position (GRCh38, 1-based): chr19:8,110,959, C>A on the plus strand (G>T on the coding strand, the complement: FBN3 is on the minus strand). VCF-style: chr19-8110959-C-A. GRCh37 (hg19) VCF-style: chr19-8175843-C-A.
Other names: c.4219G>T, p.Glu1407Ter (NM_001321431.2); short protein forms E1407*.
Identifiers: ClinVar variation 2028817 (VCV002028817.4), dbSNP rs778407139, ClinGen allele CA9152131.
Genomic context (GRCh38, chr19:8,110,959, plus strand): 5'-GGAACATTCCAGGCAGGTTCTCACAGCTCCCAAATGCACAGAGGTTCCCTTGCGCACACT[C>A]GTCCACATCTGCGGGGACCCTGGGTCAGCCTGCCCCACCCAGAGTCTGCAGGGGGGACCT-3'